The following is an entry in ClinVar:

ClinVar aggregate classification (germline): Likely benign (0 of 4 stars; one submission).

Conditions:
FRMPD4-related disorder. Also called: FRMPD4-related condition.

Allele frequency attached by ClinVar (database versions not stated): gnomAD 0.00007; TOPMed 0.00007; gnomAD exomes 0.00010.
gnomAD v4.1: 124 of 1,209,621 alleles (0.01%); highest among the groups gnomAD compares: Non-Finnish European, 0.013%; no homozygotes.

Submission:

PreventionGenetics, part of Exact Sciences
Classification: Likely benign for FRMPD4-related condition. Last evaluated: 2019-09-10. Review status: no assertion criteria provided. Collection method: clinical testing. Allele origin: germline.
Comment: This variant is classified as likely benign based on ACMG/AMP sequence variant interpretation guidelines (Richards et al. 2015 PMID: 25741868, with internal and published modifications).

NM_001368397.1(FRMPD4):c.2280C>T (p.Leu760=)

Gene: FRMPD4 (FERM and PDZ domain containing 4; plus strand). Cytogenetic location: Xp22.2.
Variant type: single nucleotide variant.
Coding change: c.2280C>T on transcript NM_001368397.1 (MANE Select); coding-DNA position 2280, C replaced by T.
Protein change: p.Leu760=; no amino-acid change (leucine 760 retained).
Molecular consequence: synonymous variant.
Genome position (GRCh38, 1-based): chrX:12,716,739, C>T. VCF-style: chrX-12716739-C-T. GRCh37 (hg19) VCF-style: chrX-12734858-C-T.
Other names: c.2391C>T, p.Leu797= (NM_001368395.3, NM_001368398.3); c.2286C>T, p.Leu762= (NM_001368396.3); c.2271C>T, p.Leu757= (NM_001368399.3); c.2160C>T, p.Leu720= (NM_001368400.3); c.2256C>T, p.Leu752= (NM_001368401.1, NM_001368402.3); c.2280C>T, p.Leu760= (NM_014728.3).
Identifiers: ClinVar variation 3039951 (VCV003039951.2), dbSNP rs780060901, ClinGen allele CA326082866.